The following is an entry in ClinVar:

ClinVar aggregate classification (germline): Uncertain significance. Review status: criteria provided, multiple submitters, no conflicts (2 of 4 stars). 2 submissions from 2 submitters: Uncertain significance (2). Last evaluated 2022-01-04.

Conditions:
Congenital disorder of deglycosylation (CDDG). Identifiers: MedGen C3808991, MONDO:0031376.

Allele frequency attached by ClinVar (database versions not stated): TOPMed 0.00003.
gnomAD v4.1: 7 of 1,614,068 alleles (0.00043%); highest among the groups gnomAD compares: African/African-American, 0.0093%; no homozygotes.

Submissions (2):

GeneDx
Classification: Uncertain significance. Last evaluated: 2022-01-04. Review status: criteria provided, single submitter. Criteria: GeneDx Variant Classification Process June 2021. Collection method: clinical testing. Allele origin: germline. Affected: yes.
Comment: Not observed at significant frequency in large population cohorts (gnomAD); In silico analysis supports that this missense variant does not alter protein structure/function; Has not been previously published as pathogenic or benign to our knowledge

Labcorp Genetics (formerly Invitae), Labcorp
Classification: Uncertain significance for Congenital disorder of deglycosylation. Last evaluated: 2021-08-27. Review status: criteria provided, single submitter. Criteria: Invitae Variant Classification Sherloc (09022015). Collection method: clinical testing. Allele origin: germline.
Comment: This sequence change replaces isoleucine with leucine at codon 107 of the NGLY1 protein (p.Ile107Leu). The isoleucine residue is weakly conserved and there is a small physicochemical difference between isoleucine and leucine. This variant is present in population databases (rs757774666, ExAC 0.01%). This variant has not been reported in the literature in individuals affected with NGLY1-related conditions. Algorithms developed to predict the effect of missense changes on protein structure and function output the following: SIFT: "Tolerated"; PolyPhen-2: "Benign"; Align-GVGD: "Class C0". The leucine amino acid residue is found in multiple mammalian species, which suggests that this missense change does not adversely affect protein function. In summary, the available evidence is currently insufficient to determine the role of this variant in disease. Therefore, it has been classified as a Variant of Uncertain Significance.

NM_018297.4(NGLY1):c.319A>C (p.Ile107Leu)

Gene: NGLY1 (N-glycanase 1; minus strand). Cytogenetic location: 3p24.2.
Variant type: single nucleotide variant.
Coding change: c.319A>C on transcript NM_018297.4 (MANE Select); coding-DNA position 319, A replaced by C.
Protein change: p.Ile107Leu; replaces isoleucine 107 with leucine.
Molecular consequence: missense variant.
Genome position (GRCh38, 1-based): chr3:25,764,239, T>G on the plus strand (A>C on the coding strand, the complement: NGLY1 is on the minus strand). VCF-style: chr3-25764239-T-G. GRCh37 (hg19) VCF-style: chr3-25805730-T-G.
Other names: c.319A>C, p.Ile107Leu (NM_001145293.2, NM_001145295.2); c.193A>C, p.Ile65Leu (NM_001145294.2); short protein forms I65L, I107L.
Identifiers: ClinVar variation 838480 (VCV000838480.5), dbSNP rs757774666, ClinGen allele CA2289514.
Genomic context (GRCh38, chr3:25,764,239, plus strand): 5'-GCTGAGATGACTTTACTTTGTGGCTCTTATTTGAGCCATCCAGTCTGCTACTTCTCTCTA[T>G]GGCAATCAGGTCACGAATTTTTTGCAGCTGCTCCACTGAAGCTTTTTTAGGAAAGATGAG-3'
Protein context (NP_060767.2, residues 97-117): QLQKIRDLIA[Ile107Leu]ERSSRLDGSN